The following is an entry in ClinVar:

ClinVar aggregate classification (germline): Uncertain significance (1 of 4 stars; one submission).

Allele frequency attached by ClinVar (database versions not stated): gnomAD exomes below 0.00001; gnomAD 0.00001.

Submission:

Labcorp Genetics (formerly Invitae), Labcorp
Classification: Uncertain significance. Last evaluated: 2022-02-28. Review status: criteria provided, single submitter. Criteria: Invitae Variant Classification Sherloc (09022015). Collection method: clinical testing. Allele origin: germline.
Comment: This variant is present in population databases (no rsID available, gnomAD 0.004%). In summary, the available evidence is currently insufficient to determine the role of this variant in disease. Therefore, it has been classified as a Variant of Uncertain Significance. Algorithms developed to predict the effect of missense changes on protein structure and function output the following: SIFT: "Tolerated"; PolyPhen-2: "Benign"; Align-GVGD: "Class C0". The arginine amino acid residue is found in multiple mammalian species, which suggests that this missense change does not adversely affect protein function. This variant has not been reported in the literature in individuals affected with ASXL1-related conditions. This sequence change replaces serine, which is neutral and polar, with arginine, which is basic and polar, at codon 1168 of the ASXL1 protein (p.Ser1168Arg).

NM_015338.6(ASXL1):c.3502A>C (p.Ser1168Arg)

Gene: ASXL1 (ASXL transcriptional regulator 1; plus strand). Cytogenetic location: 20q11.21.
Variant type: single nucleotide variant.
Coding change: c.3502A>C on transcript NM_015338.6 (MANE Select); coding-DNA position 3502, A replaced by C.
Protein change: p.Ser1168Arg; replaces serine 1168 with arginine.
Molecular consequence: missense variant.
Genome position (GRCh38, 1-based): chr20:32,436,214, A>C. VCF-style: chr20-32436214-A-C. GRCh37 (hg19) VCF-style: chr20-31024017-A-C.
Other names: c.3319A>C, p.Ser1107Arg (NM_001363734.1); short protein forms S1168R, S1107R.
Identifiers: ClinVar variation 1475381 (VCV001475381.6), dbSNP rs1291218446, ClinGen allele CA408563195.
Genomic context (GRCh38, chr20:32,436,214, plus strand): 5'-CGCATGGGATCTTTACATGGTCTTGGAAAAAACAGTGGCATGGTTGATGGAAGCAGCCCC[A>C]GTTCTTTAAGGGCTTTGAAGGAGCCTCTTCTGCCAGATAGCTGTGAAACAGGCACTGGTC-3'
Protein context (NP_056153.2, residues 1158-1178): NSGMVDGSSP[Ser1168Arg]SLRALKEPLL